The following is an entry in ClinVar:

NM_033400.3(ZFHX2):c.3895G>A (p.Glu1299Lys)

Genes: THTPA (thiamine triphosphatase; plus strand), ZFHX2 (zinc finger homeobox 2; minus strand). Cytogenetic location: 14q11.2.
Variant type: single nucleotide variant.
Coding change: c.3895G>A on transcript NM_033400.3 (MANE Select); coding-DNA position 3895, G replaced by A.
Protein change: p.Glu1299Lys; replaces glutamic acid 1299 with lysine.
Molecular consequence: missense variant.
Genome position (GRCh38, 1-based): chr14:23,526,047, C>T on the plus strand (G>A on the coding strand, the complement: ZFHX2 is on the minus strand). VCF-style: chr14-23526047-C-T. GRCh37 (hg19) VCF-style: chr14-23995256-C-T.
Other names: short protein forms E1299K.
Identifiers: ClinVar variation 2353346 (VCV002353346.26), dbSNP rs527943085, ClinGen allele CA7116965.

ClinVar aggregate classification (germline): Conflicting classifications of pathogenicity. Review status: criteria provided, conflicting classifications (1 of 4 stars). 2 submissions from 2 submitters: Uncertain significance (1); Likely benign (1). Last evaluated 2025-08-01.

Allele frequency attached by ClinVar (database versions not stated): gnomAD exomes 0.00012; TOPMed 0.00012; gnomAD 0.00013; ExAC 0.00036.
gnomAD v4.1: 188 of 1,536,472 alleles (0.012%); highest among the groups gnomAD compares: South Asian, 0.12%; no homozygotes.

Submissions (2):

CeGaT Center for Human Genetics Tuebingen
Classification: Likely benign. Last evaluated: 2025-08-01. Review status: criteria provided, single submitter. Criteria: CeGaT Center For Human Genetics Tuebingen Variant Classification Criteria Version 2. Collection method: clinical testing. Allele origin: germline. Affected: yes. Observed: 2 variant alleles.
Comment: ZFHX2: BP4, BS1

Ambry Genetics
Classification: Uncertain significance. Last evaluated: 2024-04-09. Review status: criteria provided, single submitter. Criteria: Ambry Variant Classification Scheme 2023. Collection method: clinical testing. Allele origin: germline.